The following is an entry in ClinVar:

NM_032638.5(GATA2):c.196G>T (p.Ala66Ser)

Gene: GATA2 (GATA binding protein 2; minus strand). Cytogenetic location: 3q21.3.
Variant type: single nucleotide variant.
Coding change: c.196G>T on transcript NM_032638.5 (MANE Select); coding-DNA position 196, G replaced by T.
Protein change: p.Ala66Ser; replaces alanine 66 with serine.
Molecular consequence: missense variant.
Genome position (GRCh38, 1-based): chr3:128,486,836, C>A on the plus strand (G>T on the coding strand, the complement: GATA2 is on the minus strand). VCF-style: chr3-128486836-C-A. GRCh37 (hg19) VCF-style: chr3-128205679-C-A.
Other names: c.196G>T, p.Ala66Ser (NM_001145661.2, NM_001145662.1); c.196G>T (NM_032638.4); short protein forms A66S.
Identifiers: ClinVar variation 1002185 (VCV001002185.9), dbSNP rs2068707355, ClinGen allele CA354408340.

ClinVar aggregate classification (germline): Uncertain significance. Review status: criteria provided, multiple submitters, no conflicts (2 of 4 stars). 2 submissions from 2 submitters: Uncertain significance (2). Last evaluated 2024-11-25.

Conditions:
Deafness-lymphedema-leukemia syndrome. Also called: Lymphedema, primary, with myelodysplasia; Emberger syndrome. Identifiers: Orphanet 3226, MedGen C3279664, MONDO:0013540, OMIM 614038.
Monocytopenia with susceptibility to infections. Also called: MONOCYTOPENIA AND MYCOBACTERIAL INFECTION SYNDROME; MONOCYTOPENIA WITH SUSCEPTIBILITY TO MYCOBACTERIAL, FUNGAL, AND PAPILLOMAVIRUS INFECTIONS AND MYELODYSPLASIA; COMBINED IMMUNODEFICIENCY WITH SUSCEPTIBILITY TO MYCOBACTERIAL, VIRAL, AND FUNGAL INFECTIONS; IMMUNODEFICIENCY 21; GATA2 DEFICIENCY; Dendritic cell, monocyte, B lymphocyte, and natural killer lymphocyte deficiency. Identifiers: Orphanet 228423, MedGen C3280030, MONDO:0013607, OMIM 614172.
Inborn genetic diseases. Identifiers: MedGen C0950123, MeSH D030342.

Allele frequency attached by ClinVar (database versions not stated): TOPMed below 0.00001.
gnomAD v4.1: 1 of 1,610,968 alleles (0.000062%); no homozygotes.

Submissions (2):

Ambry Genetics
Classification: Uncertain significance for Inborn genetic diseases. Last evaluated: 2024-11-25. Review status: criteria provided, single submitter. Criteria: Ambry Variant Classification Scheme 2023. Collection method: clinical testing. Allele origin: germline.
Comment: The p.A66S variant (also known as c.196G>T), located in coding exon 1 of the GATA2 gene, results from a G to T substitution at nucleotide position 196. The alanine at codon 66 is replaced by serine, an amino acid with similar properties. This amino acid position is conserved. In addition, the in silico prediction for this alteration is inconclusive. Based on the available evidence, the clinical significance of this variant remains unclear.

Labcorp Genetics (formerly Invitae), Labcorp
Classification: Uncertain significance for Monocytopenia with susceptibility to infections; Deafness-lymphedema-leukemia syndrome. Last evaluated: 2023-11-29. Review status: criteria provided, single submitter. Criteria: Invitae Variant Classification Sherloc (09022015). Collection method: clinical testing. Allele origin: germline.
Comment: This sequence change replaces alanine, which is neutral and non-polar, with serine, which is neutral and polar, at codon 66 of the GATA2 protein (p.Ala66Ser). This variant is not present in population databases (gnomAD no frequency). This variant has not been reported in the literature in individuals affected with GATA2-related conditions. ClinVar contains an entry for this variant (Variation ID: 1002185). Advanced modeling of protein sequence and biophysical properties (such as structural, functional, and spatial information, amino acid conservation, physicochemical variation, residue mobility, and thermodynamic stability) performed at Invitae indicates that this missense variant is not expected to disrupt GATA2 protein function with a negative predictive value of 95%. In summary, the available evidence is currently insufficient to determine the role of this variant in disease. Therefore, it has been classified as a Variant of Uncertain Significance.